The following is an entry in ClinVar:

ClinVar aggregate classification (germline): Uncertain significance (1 of 4 stars; one submission).

Allele frequency attached by ClinVar (database versions not stated): gnomAD exomes below 0.00001.
gnomAD v4.1: 1 of 1,613,616 alleles (0.000062%); highest among the groups gnomAD compares: Non-Finnish European, 0.000085%; no homozygotes.

Submission:

Labcorp Genetics (formerly Invitae), Labcorp
Classification: Uncertain significance. Last evaluated: 2022-07-21. Review status: criteria provided, single submitter. Criteria: Invitae Variant Classification Sherloc (09022015). Collection method: clinical testing. Allele origin: germline.
Comment: Algorithms developed to predict the effect of missense changes on protein structure and function (SIFT, PolyPhen-2, Align-GVGD) all suggest that this variant is likely to be tolerated. This variant has not been reported in the literature in individuals affected with KAT6A-related conditions. This variant is present in population databases (no rsID available, gnomAD 0.0009%). This sequence change replaces lysine, which is basic and polar, with arginine, which is basic and polar, at codon 516 of the KAT6A protein (p.Lys516Arg). Algorithms developed to predict the effect of sequence changes on RNA splicing suggest that this variant may disrupt the consensus splice site. In summary, the available evidence is currently insufficient to determine the role of this variant in disease. Therefore, it has been classified as a Variant of Uncertain Significance.

NM_006766.5(KAT6A):c.1547A>G (p.Lys516Arg)

Gene: KAT6A (lysine acetyltransferase 6A; minus strand). Cytogenetic location: 8p11.21.
Variant type: single nucleotide variant.
Coding change: c.1547A>G on transcript NM_006766.5 (MANE Select); coding-DNA position 1547, A replaced by G.
Protein change: p.Lys516Arg; replaces lysine 516 with arginine.
Molecular consequence: missense variant.
Genome position (GRCh38, 1-based): chr8:41,955,347, T>C on the plus strand (A>G on the coding strand, the complement: KAT6A is on the minus strand). VCF-style: chr8-41955347-T-C. GRCh37 (hg19) VCF-style: chr8-41812865-T-C.
Other names: c.1547A>G, p.Lys516Arg (NM_001305878.2); short protein forms K516R.
Identifiers: ClinVar variation 1721616 (VCV001721616.5), dbSNP rs1262024715, ClinGen allele CA371074604.